The following is an entry in ClinVar:

ClinVar aggregate classification (germline): Conflicting classifications of pathogenicity. Review status: criteria provided, conflicting classifications (1 of 4 stars). 4 submissions from 4 submitters: Uncertain significance (2); Likely benign (1). 1 of the submissions does not count toward it. Last evaluated 2026-01-06.

Conditions:
Inborn genetic diseases. Identifiers: MedGen C0950123, MeSH D030342.
Nemaline myopathy 6 (NEM6). Also called: Nemaline myopathy 6, autosomal dominant. Identifiers: Orphanet 171439, MedGen C1836472, MONDO:0012237, OMIM 609273.
KBTBD13-related disorder. Also called: KBTBD13-related condition.

Allele frequency attached by ClinVar (database versions not stated): ExAC 0.00011; gnomAD exomes 0.00012; 1000 Genomes Project 30x 0.00031; 1000 Genomes Project 0.00040; gnomAD 0.00056; TOPMed 0.00057.

Submissions (4):

Labcorp Genetics (formerly Invitae), Labcorp
Classification: Likely benign for Nemaline myopathy 6. Last evaluated: 2026-01-06. Review status: criteria provided, single submitter. Criteria: Invitae Variant Classification Sherloc (09022015). Collection method: clinical testing. Allele origin: germline.

Blueprint Genetics
Classification: Uncertain significance. Last evaluated: 2024-02-16. Review status: criteria provided, single submitter. Criteria: ACMG Guidelines, 2015. Collection method: clinical testing. Allele origin: germline.

Ambry Genetics
Classification: Uncertain significance for Inborn genetic diseases. Last evaluated: 2021-09-27. Review status: criteria provided, single submitter. Criteria: Ambry Variant Classification Scheme 2023. Collection method: clinical testing. Allele origin: germline.

PreventionGenetics, part of Exact Sciences
Classification: Likely benign for KBTBD13-related condition. Last evaluated: 2023-12-19. Review status: no assertion criteria provided. Collection method: clinical testing. Allele origin: germline. Not counted in ClinVar's aggregate classification.
Comment: This variant is classified as likely benign based on ACMG/AMP sequence variant interpretation guidelines (Richards et al. 2015 PMID: 25741868, with internal and published modifications).

NM_001101362.3(KBTBD13):c.815T>A (p.Ile272Asn)

Gene: KBTBD13 (kelch repeat and BTB domain containing 13; plus strand). Cytogenetic location: 15q22.31.
Variant type: single nucleotide variant.
Coding change: c.815T>A on transcript NM_001101362.3 (MANE Select); coding-DNA position 815, T replaced by A.
Protein change: p.Ile272Asn; replaces isoleucine 272 with asparagine.
Molecular consequence: missense variant.
Genome position (GRCh38, 1-based): chr15:65,077,630, T>A. VCF-style: chr15-65077630-T-A. GRCh37 (hg19) VCF-style: chr15-65369968-T-A.
Other names: short protein forms I272N.
Identifiers: ClinVar variation 464362 (VCV000464362.16), dbSNP rs558291810, ClinGen allele CA7613988.